The following is an entry in ClinVar:

NM_014363.6(SACS):c.8793dup (p.Arg2932fs)

Gene: SACS (sacsin molecular chaperone; minus strand). Cytogenetic location: 13q12.12.
Variant type: Duplication.
Coding change: c.8793dup on transcript NM_014363.6 (MANE Select); coding-DNA position 8793, one base duplicated (A; older notation c.8793dupA).
Protein change: p.Arg2932fs; shifts the reading frame from arginine 2932.
Molecular consequence: frameshift variant.
Genome position (GRCh38, 1-based): chr13:23,335,083, T duplicated on the plus strand (A on the coding strand, the reverse complement: SACS is on the minus strand); the first of 7 consecutive T bases (chr13:23,335,083-23,335,089); duplicating any one gives the same sequence. VCF-style (leftmost placement, unchanged base first): chr13-23335082-G-GT. GRCh37 (hg19) VCF-style: chr13-23909221-G-GT.
Other names: c.8352dup, p.Arg2785fs (NM_001278055.2); c.8793dupA (NM_014363.5, NM_014363.6); short protein forms R2785fs, R2932fs.
Identifiers: ClinVar variation 959991 (VCV000959991.26), dbSNP rs767871841, ClinGen allele CA6910720.
Genomic context (GRCh38, chr13:23,335,082, plus strand): 5'-CAACATGAATAGGGGTGTTCTGTAACACTGATAATGTTGGATCAGAACCAGGGAAATACC[G>GT]TTTTTTTAACTGTATTAGCAATTCAACATATGCAGGAGCTATTAATGCTGTCATTAAACT-3'

ClinVar aggregate classification (germline): Pathogenic/Likely pathogenic. Review status: criteria provided, multiple submitters, no conflicts (2 of 4 stars). 10 submissions from 10 submitters: Pathogenic (6); Likely pathogenic (4). Last evaluated 2025-12-22.

Conditions:
Spastic paraplegia. Identifiers: MedGen C0037772, HP:0001258.
Charlevoix-Saguenay spastic ataxia (SACS). Also called: AUTOSOMAL RECESSIVE SPASTIC ATAXIA OF CHARLEVOIX-SAGUENAY; Spastic ataxia of Charlevoix-Saguenay; SPASTIC ATAXIA 6, AUTOSOMAL RECESSIVE. Identifiers: Orphanet 98, MedGen C1849140, MONDO:0010041, OMIM 270550.
Hereditary spastic paraplegia. Also called: Familial spastic paraparesis. Identifiers: Orphanet 685, MedGen C0037773, MONDO:0019064. Disease mechanism: loss of function.

Submissions (10):

Labcorp Genetics (formerly Invitae), Labcorp
Classification: Pathogenic for Spastic paraplegia. Last evaluated: 2025-12-22. Review status: criteria provided, single submitter. Criteria: Invitae Variant Classification Sherloc (09022015). Collection method: clinical testing. Allele origin: germline.
Comment: This sequence change creates a premature translational stop signal (p.Arg2932Thrfs*7) in the SACS gene. While this is not anticipated to result in nonsense mediated decay, it is expected to disrupt the last 1648 amino acid(s) of the SACS protein. This variant is present in population databases (rs767871841, gnomAD 0.004%). This variant has not been reported in the literature in individuals affected with SACS-related conditions. ClinVar contains an entry for this variant (Variation ID: 959991). This variant disrupts a region of the SACS protein in which other variant(s) (p.Ile2949Phefs*4, p.Arg3903*) have been determined to be pathogenic (PMID: 10655055, 11788093, 19892370, 21745802, 22307627). This suggests that this is a clinically significant region of the protein, and that variants that disrupt it are likely to be disease-causing. For these reasons, this variant has been classified as Pathogenic.

Women's Health and Genetics/Laboratory Corporation of America, LabCorp
Classification: Pathogenic for Charlevoix-Saguenay spastic ataxia. Last evaluated: 2025-10-28. Review status: criteria provided, single submitter. Criteria: LabCorp Variant Classification Summary - May 2015. Collection method: clinical testing. Allele origin: germline.
Comment: Variant summary: SACS c.8793dupA (p.Arg2932ThrfsX7) results in a premature termination codon, predicted to cause a truncation of the encoded protein or absence of the protein, which are commonly known mechanisms for disease. Variants(s) downstream of this position have been determined to be pathogenic (example:p.Arg4378Ter). The variant allele was found at a frequency of 8e-06 in 250652 control chromosomes. c.8793dupA has been observed in individual(s) affected with spastic ataxia (example: Cheng_2021). The following publication has been ascertained in the context of this evaluation (PMID: 34663476). ClinVar contains an entry for this variant (Variation ID: 959991). Based on the evidence outlined above, the variant was classified as pathogenic.

Natera, Inc.
Classification: Likely pathogenic for Charlevoix-Saguenay type spastic ataxia. Last evaluated: 2025-02-17. Review status: criteria provided, single submitter. Criteria: Natera Variant Classification Schema (03/2026). Collection method: clinical testing. Allele origin: germline.
Comment: The c.8793dupA variant in SACS is a frameshift variant predicted to shift the reading frame beginning at codon 2932 and leads to a stop codon 7 codons downstream. This variant is expected to result in nonsense mediated decay, truncation, or a dysfunctional protein product. This variant is rare in the general population with a frequency below the threshold expected for the associated phenotype(s). This variant has been observed in one or more individuals affected with the associated recessive disease, as either homozygous or compound heterozygous with a second variant (PMID: 34663476). Given the available evidence, this variant is classified as Likely Pathogenic.

GeneDx
Classification: Likely pathogenic. Last evaluated: 2024-04-29. Review status: criteria provided, single submitter. Criteria: GeneDx Variant Classification Process June 2021. Collection method: clinical testing. Allele origin: germline. Affected: yes.
Comment: Frameshift variant predicted to result in protein truncation, as the last 1648 amino acids are replaced with 6 different amino acids, and other loss-of-function variants have been reported downstream in HGMD; Not observed at significant frequency in large population cohorts (gnomAD); This variant is associated with the following publications: (PMID: 11788093, 34663476, 10655055, 19892370, 22307627, 21745802)

Centre for Inherited Metabolic Diseases, Karolinska University Hospital
Classification: Pathogenic for Charlevoix-Saguenay spastic ataxia. Last evaluated: 2024-03-20. Review status: criteria provided, single submitter. Criteria: ACMG Guidelines, 2015. Collection method: clinical testing. Allele origin: inherited. Inheritance: Autosomal recessive inheritance. Affected: yes. Observed: 1 compound heterozygote.

Baylor Genetics
Classification: Likely pathogenic for Charlevoix-Saguenay spastic ataxia. Last evaluated: 2024-02-19. Review status: criteria provided, single submitter. Criteria: ACMG Guidelines, 2015. Collection method: clinical testing. Allele origin: unknown.

Genome-Nilou Lab
Classification: Pathogenic for Charlevoix-Saguenay spastic ataxia. Last evaluated: 2021-09-05. Review status: criteria provided, single submitter. Criteria: ACMG Guidelines, 2015. Collection method: clinical testing. Allele origin: germline. Affected: no.

Genetic Services Laboratory, University of Chicago
Classification: Pathogenic. Last evaluated: 2020-09-08. Review status: criteria provided, single submitter. Criteria: ACMG Guidelines, 2015. Collection method: clinical testing. Allele origin: germline. Affected: yes.
Comment: DNA sequence analysis of the SACS gene demonstrated a one base pair duplication in exon 10, c.8793dup. This sequence change results in an amino acid frameshift and creates a premature stop codon 7 amino acids downstream of the variant, p.Arg2932Thrfs*7. This sequence change is not predicted to result in nonsense mediated decay, but does disrupt the c-terminal domain of the SACS protein. This sequencing change has been described in the gnomAD database with a low overall population frequency of 0.001% and a frequency of 0.004% in the African sub group (dbSNP rs767871841). Other truncating variants within this region and downstream of this variant have been reported in patients with SACS-related disorders (PMIDs: 18465152, 15156359, 22816526). Collectively these evidences indicate that, this p.Arg2932Thrfs*7 sequence change is pathogenic.

Athena Diagnostics
Classification: Pathogenic. Last evaluated: 2020-06-10. Review status: criteria provided, single submitter. Criteria: Athena Diagnostics Criteria. Collection method: clinical testing. Allele origin: unknown.
Comment: The variant results in a shift of the reading frame, and is therefore predicted to result in the loss of a functional protein. Found in at least one patient with expected phenotype for this gene, and found in general population data at a frequency that is consistent with pathogenicity.

Genome Diagnostics Laboratory, The Hospital for Sick Children
Classification: Likely pathogenic for Hereditary spastic paraplegia. Last evaluated: 2019-02-01. Review status: criteria provided, single submitter. Criteria: ACMG Guidelines, 2015. Collection method: clinical testing. Allele origin: germline. Affected: yes.

Literature cited by the submitters: PubMed 10655055 (cited by Labcorp Genetics (formerly Invitae), Labcorp); PubMed 11788093 (cited by Labcorp Genetics (formerly Invitae), Labcorp); PubMed 19892370 (cited by Labcorp Genetics (formerly Invitae), Labcorp); PubMed 21745802 (cited by Labcorp Genetics (formerly Invitae), Labcorp); PubMed 22307627 (cited by Labcorp Genetics (formerly Invitae), Labcorp); PubMed 34663476 (cited by Women's Health and Genetics/Laboratory Corporation of America, LabCorp and Natera, Inc.).